The following is an entry in ClinVar:

NM_005458.8(GABBR2):c.1217C>A (p.Thr406Asn)

Gene: GABBR2 (gamma-aminobutyric acid type B receptor subunit 2; minus strand). Cytogenetic location: 9q22.33.
Variant type: single nucleotide variant.
Coding change: c.1217C>A on transcript NM_005458.8 (MANE Select); coding-DNA position 1217, C replaced by A.
Protein change: p.Thr406Asn; replaces threonine 406 with asparagine.
Molecular consequence: missense variant.
Genome position (GRCh38, 1-based): chr9:98,454,000, G>T on the plus strand (C>A on the coding strand, the complement: GABBR2 is on the minus strand). VCF-style: chr9-98454000-G-T. GRCh37 (hg19) VCF-style: chr9-101216282-G-T.
Other names: short protein forms T406N.
Identifiers: ClinVar variation 3615565 (VCV003615565.2).

ClinVar aggregate classification (germline): Uncertain significance (1 of 4 stars; one submission).

Conditions:
Epileptic encephalopathy. Identifiers: MedGen C0543888, HP:0200134.

gnomAD v4.1: 2 of 1,613,520 alleles (0.00012%); highest among the groups gnomAD compares: Non-Finnish European, 0.00017%; no homozygotes.

Submission:

Labcorp Genetics (formerly Invitae), Labcorp
Classification: Uncertain significance for Epileptic encephalopathy. Last evaluated: 2024-06-07. Review status: criteria provided, single submitter. Criteria: Invitae Variant Classification Sherloc (09022015). Collection method: clinical testing. Allele origin: germline.
Comment: This sequence change replaces threonine, which is neutral and polar, with asparagine, which is neutral and polar, at codon 406 of the GABBR2 protein (p.Thr406Asn). This variant is not present in population databases (gnomAD no frequency). This variant has not been reported in the literature in individuals affected with GABBR2-related conditions. Advanced modeling of protein sequence and biophysical properties (such as structural, functional, and spatial information, amino acid conservation, physicochemical variation, residue mobility, and thermodynamic stability) performed at Invitae indicates that this missense variant is expected to disrupt GABBR2 protein function with a positive predictive value of 80%. In summary, the available evidence is currently insufficient to determine the role of this variant in disease. Therefore, it has been classified as a Variant of Uncertain Significance.